The following is an entry in ClinVar:

NM_017636.4(TRPM4):c.1477G>C (p.Gly493Arg)

Gene: TRPM4 (transient receptor potential cation channel subfamily M member 4; plus strand). Cytogenetic location: 19q13.33.
Variant type: single nucleotide variant.
Coding change: c.1477G>C on transcript NM_017636.4 (MANE Select); coding-DNA position 1477, G replaced by C.
Protein change: p.Gly493Arg; replaces glycine 493 with arginine.
Molecular consequence: missense variant. On other transcripts: 5 prime UTR variant (1).
Genome position (GRCh38, 1-based): chr19:49,182,791, G>C. VCF-style: chr19-49182791-G-C. GRCh37 (hg19) VCF-style: chr19-49686048-G-C.
Other names: c.1477G>C, p.Gly493Arg (NM_001195227.2); c.1132G>C, p.Gly378Arg (NM_001321281.2); c.-77G>C (NM_001321282.2); c.955G>C, p.Gly319Arg (NM_001321283.2); c.415G>C, p.Gly139Arg (NM_001321285.2); short protein forms G319R, G493R, G139R, G378R.
Identifiers: ClinVar variation 4191766 (VCV004191766.2).

ClinVar aggregate classification (germline): Uncertain significance. Review status: criteria provided, multiple submitters, no conflicts (2 of 4 stars). 2 submissions from 2 submitters: Uncertain significance (2). Last evaluated 2025-08-30.

Conditions:
Cardiovascular phenotype. Identifiers: MedGen CN230736.
Progressive familial heart block type IB (PFHB1B). Identifiers: Orphanet 871, MedGen C1970298, MONDO:0011474, OMIM 604559.

gnomAD v4.1: 10 of 1,577,566 alleles (0.00063%); highest among the groups gnomAD compares: Non-Finnish European, 0.00044%; no homozygotes.

Submissions (2):

Ambry Genetics
Classification: Uncertain significance for Cardiovascular phenotype. Last evaluated: 2025-08-30. Review status: criteria provided, single submitter. Criteria: Ambry Variant Classification Scheme 2023. Collection method: clinical testing. Allele origin: germline.
Comment: The p.G493R variant (also known as c.1477G>C), located in coding exon 11 of the TRPM4 gene, results from a G to C substitution at nucleotide position 1477. The glycine at codon 493 is replaced by arginine, an amino acid with dissimilar properties. This amino acid position is conserved. In addition, this alteration is predicted to be tolerated by in silico analysis. Based on the available evidence, the clinical significance of this variant remains unclear.

Labcorp Genetics (formerly Invitae), Labcorp
Classification: Uncertain significance for Progressive familial heart block type IB. Last evaluated: 2025-04-30. Review status: criteria provided, single submitter. Criteria: Invitae Variant Classification Sherloc (09022015). Collection method: clinical testing. Allele origin: germline.
Comment: This sequence change replaces glycine, which is neutral and non-polar, with arginine, which is basic and polar, at codon 493 of the TRPM4 protein (p.Gly493Arg). This variant is present in population databases (rs767067324, gnomAD 0.01%). This variant has not been reported in the literature in individuals affected with TRPM4-related conditions. An algorithm developed to predict the effect of missense changes on protein structure and function (PolyPhen-2) suggests that this variant is likely to be tolerated. In summary, the available evidence is currently insufficient to determine the role of this variant in disease. Therefore, it has been classified as a Variant of Uncertain Significance.